The following is an entry in ClinVar:

ClinVar aggregate classification (germline): Pathogenic (1 of 4 stars; one submission).

Conditions:
Medium-chain acyl-coenzyme A dehydrogenase deficiency (ACADMD). Also called: CARNITINE DEFICIENCY SECONDARY TO MEDIUM-CHAIN ACYL-CoA DEHYDROGENASE DEFICIENCY; MCADD; Medium chain acyl-CoA dehydrogenase deficiency; MCADH DEFICIENCY; ACADM DEFICIENCY; MCAD Deficiency. Identifiers: Orphanet 42, MedGen C0220710, MONDO:0008721, OMIM 201450.

Submission:

Labcorp Genetics (formerly Invitae), Labcorp
Classification: Pathogenic for Medium-chain acyl-coenzyme A dehydrogenase deficiency. Last evaluated: 2019-11-05. Review status: criteria provided, single submitter. Criteria: Invitae Variant Classification Sherloc (09022015). Collection method: clinical testing. Allele origin: germline.
Comment: For these reasons, this variant has been classified as Pathogenic. Loss-of-function variants in ACADM are known to be pathogenic (PMID: 16121256, 20434380). This variant has not been reported in the literature in individuals with ACADM-related conditions. This variant is not present in population databases (ExAC no frequency). This sequence change creates a premature translational stop signal (p.Leu35*) in the ACADM gene. It is expected to result in an absent or disrupted protein product.

Literature cited by the submitters: PubMed 16121256; PubMed 20434380.

NM_000016.6(ACADM):c.104T>G (p.Leu35Ter)

Gene: ACADM (acyl-CoA dehydrogenase medium chain; plus strand). Cytogenetic location: 1p31.1.
Variant type: single nucleotide variant.
Coding change: c.104T>G on transcript NM_000016.6 (MANE Select); coding-DNA position 104, T replaced by G.
Protein change: p.Leu35Ter; replaces leucine 35 with a stop codon.
Molecular consequence: nonsense. On other transcripts: intron variant (2).
Genome position (GRCh38, 1-based): chr1:75,728,474, T>G. VCF-style: chr1-75728474-T-G. GRCh37 (hg19) VCF-style: chr1-76194159-T-G.
Other names: c.116T>G, p.Leu39Ter (NM_001127328.3); c.104T>G, p.Leu35Ter (NM_001286043.2); c.10+3657T>G (NM_001286042.2); c.-268+3657T>G (NM_001286044.2); short protein forms L39*, L35*.
Identifiers: ClinVar variation 964031 (VCV000964031.7), dbSNP rs1647090485, ClinGen allele CA340807430.